The following is an entry in ClinVar:

ClinVar aggregate classification (germline): Uncertain significance. Review status: criteria provided, single submitter (1 of 4 stars). 2 submissions from 2 submitters: Uncertain significance (1). 1 of the submissions does not count toward it. Last evaluated 2018-07-25.

Conditions:
Severe combined immunodeficiency due to DNA-PKcs deficiency. Also called: IMMUNODEFICIENCY 26 WITH NEUROLOGIC ABNORMALITIES; Immunodeficiency 26 with or without neurologic abnormalities. Identifiers: Orphanet 317425, MedGen C4014833, MONDO:0014423, OMIM 615966.
PRKDC-related disorder. Also called: PRKDC-related condition.

Submissions (2):

Labcorp Genetics (formerly Invitae), Labcorp
Classification: Uncertain significance for Severe combined immunodeficiency due to DNA-PKcs deficiency. Last evaluated: 2018-07-25. Review status: criteria provided, single submitter. Criteria: Invitae Variant Classification Sherloc (09022015). Collection method: clinical testing. Allele origin: germline.
Comment: The current clinical and genetic evidence is not sufficient to establish whether loss-of-function variants in PRKDC cause disease. This variant has not been reported in the literature in individuals with PRKDC-related disease. While this variant is present in population databases (rs760359446), the frequency information is unreliable, as metrics indicate poor data quality at this position in the ExAC database. This sequence change creates a premature translational stop signal (p.Ile166Asnfs*11) in the PRKDC gene. It is expected to result in an absent or disrupted protein product. In summary, the available evidence is currently insufficient to determine the role of this variant in disease. Therefore, it has been classified as a Variant of Uncertain Significance.

PreventionGenetics, part of Exact Sciences
Classification: Likely benign for PRKDC-related condition. Last evaluated: 2020-04-10. Review status: no assertion criteria provided. Collection method: clinical testing. Allele origin: germline. Not counted in ClinVar's aggregate classification.
Comment: This variant is classified as likely benign based on ACMG/AMP sequence variant interpretation guidelines (Richards et al. 2015 PMID: 25741868, with internal and published modifications).

NM_006904.7(PRKDC):c.496dup (p.Ile166fs)

Gene: PRKDC (protein kinase, DNA-activated, catalytic subunit; minus strand). Cytogenetic location: 8q11.21.
Variant type: Duplication.
Coding change: c.496dup on transcript NM_006904.7 (MANE Select); coding-DNA position 496, one base duplicated (A; older notation c.496dupA).
Protein change: p.Ile166fs; shifts the reading frame from isoleucine 166.
Molecular consequence: frameshift variant.
Genome position (GRCh38, 1-based): chr8:47,954,350, T duplicated on the plus strand (A on the coding strand, the reverse complement: PRKDC is on the minus strand); the first of 10 consecutive T bases (chr8:47,954,350-47,954,359); duplicating any one gives the same sequence. VCF-style (leftmost placement, unchanged base first): chr8-47954349-A-AT. GRCh37 (hg19) VCF-style: chr8-48866909-A-AT.
Other names: c.496dup, p.Ile166fs (NM_001081640.2); c.496dupA (NM_006904.6); short protein forms I166fs.
Identifiers: ClinVar variation 656702 (VCV000656702.6), dbSNP rs537061158, ClinGen allele CA4742010.